The following is an entry in ClinVar:

ClinVar aggregate classification (germline): Uncertain significance (1 of 4 stars; one submission).

Conditions:
Idiopathic generalized epilepsy. Also called: EIG; Generalised epilepsy. Identifiers: MedGen C0270850, MONDO:0005579, OMIM 600669.

Submission:

Labcorp Genetics (formerly Invitae), Labcorp
Classification: Uncertain significance for Idiopathic generalized epilepsy. Last evaluated: 2023-11-11. Review status: criteria provided, single submitter. Criteria: Invitae Variant Classification Sherloc (09022015). Collection method: clinical testing. Allele origin: germline.
Comment: This sequence change replaces alanine, which is neutral and non-polar, with aspartic acid, which is acidic and polar, at codon 405 of the RBFOX1 protein (p.Ala405Asp). This variant is not present in population databases (gnomAD no frequency). This variant has not been reported in the literature in individuals affected with RBFOX1-related conditions. An algorithm developed to predict the effect of missense changes on protein structure and function (PolyPhen-2) suggests that this variant is likely to be disruptive. In summary, the available evidence is currently insufficient to determine the role of this variant in disease. Therefore, it has been classified as a Variant of Uncertain Significance.

NM_018723.4(RBFOX1):c.1151C>A (p.Ala384Asp)

Gene: RBFOX1 (RNA binding fox-1 homolog 1; plus strand). Cytogenetic location: 16p13.3.
Variant type: single nucleotide variant.
Coding change: c.1151C>A on transcript NM_018723.4 (MANE Select); coding-DNA position 1151, C replaced by A.
Protein change: p.Ala384Asp; replaces alanine 384 with aspartic acid.
Molecular consequence: missense variant. On other transcripts: 3 prime UTR variant (20).
Genome position (GRCh38, 1-based): chr16:7,710,702, C>A. VCF-style: chr16-7710702-C-A. GRCh37 (hg19) VCF-style: chr16-7760704-C-A.
Other names: c.1070C>A, p.Ala357Asp (NM_001142333.2); c.1151C>A, p.Ala384Asp (NM_001142334.2); c.*79C>A (NM_001364800.2, NM_001415887.1, NM_001415895.1 and 12 more transcripts); c.1667C>A, p.Ala556Asp (NM_001415888.1); c.*1061C>A (NM_001415889.1, NM_001415890.1); c.1280C>A, p.Ala427Asp (NM_001415891.1); c.1259C>A, p.Ala420Asp (NM_001415892.1); c.1226C>A, p.Ala409Asp (NM_001415893.1); and 11 more; short protein forms A353D, A382D, A393D, A420D, A427D, A556D, A357D, A362D.
Identifiers: ClinVar variation 2692735 (VCV002692735.3), dbSNP rs2510617714, ClinGen allele CA394796199.